The following is an entry in ClinVar:

NM_000075.4(CDK4):c.260T>G (p.Ile87Ser)

Gene: CDK4 (cyclin dependent kinase 4; minus strand). Cytogenetic location: 12q14.1.
Variant type: single nucleotide variant.
Coding change: c.260T>G on transcript NM_000075.4 (MANE Select); coding-DNA position 260, T replaced by G.
Protein change: p.Ile87Ser; replaces isoleucine 87 with serine.
Molecular consequence: missense variant.
Genome position (GRCh38, 1-based): chr12:57,751,301, A>C on the plus strand (T>G on the coding strand, the complement: CDK4 is on the minus strand). VCF-style: chr12-57751301-A-C. GRCh37 (hg19) VCF-style: chr12-58145084-A-C.
Other names: short protein forms I87S.
Identifiers: ClinVar variation 485489 (VCV000485489.5), dbSNP rs1555201326, ClinGen allele CA385548139.

ClinVar aggregate classification (germline): Uncertain significance (1 of 4 stars; one submission).

Conditions:
Hereditary cancer-predisposing syndrome. Also called: Neoplastic Syndromes, Hereditary; Tumor predisposition; Hereditary Cancer Syndrome; Hereditary neoplastic syndrome. Identifiers: Orphanet 140162, MedGen C0027672, MeSH D009386, MONDO:0015356.

Submission:

Ambry Genetics
Classification: Uncertain significance for Hereditary cancer-predisposing syndrome. Last evaluated: 2016-08-30. Review status: criteria provided, single submitter. Criteria: Ambry Variant Classification Scheme 2023. Collection method: clinical testing. Allele origin: germline.
Comment: The p.I87S variant (also known as c.260T>G), located in coding exon 2 of the CDK4 gene, results from a T to G substitution at nucleotide position 260. The isoleucine at codon 87 is replaced by serine, an amino acid with dissimilar properties. This variant was not reported in population based cohorts in the following databases: Database of Single Nucleotide Polymorphisms (dbSNP), NHLBI Exome Sequencing Project (ESP), and 1000 Genomes Project. In the ESP, this variant was not observed in 6503 samples (13006 alleles) with coverage at this position. To date, this alteration has been detected with an allele frequency of approximately 0.001% (greater than 70000 alleles tested) in our clinical cohort. This amino acid position is poorly conserved in available vertebrate species. In addition, this alteration is predicted to be tolerated by in silico analysis. Since supporting evidence is limited at this time, the clinical significance of this alteration remains unclear.